The following is an entry in ClinVar:

ClinVar aggregate classification (germline): Conflicting classifications of pathogenicity. Review status: criteria provided, conflicting classifications (1 of 4 stars). 2 submissions from 2 submitters: Uncertain significance (1); Likely benign (1). Last evaluated 2025-02-26.

Conditions:
Familial cancer of breast. Also called: BREAST CANCER, FAMILIAL; Hereditary breast cancer; hereditary breast carcinoma. Identifiers: Orphanet 227535, MedGen C0346153, MONDO:0016419, OMIM 114480. Disease mechanism: loss of function.
Hereditary cancer-predisposing syndrome. Also called: Hereditary Cancer Syndrome; Tumor predisposition; Hereditary neoplastic syndrome; Neoplastic Syndromes, Hereditary. Identifiers: Orphanet 140162, MedGen C0027672, MeSH D009386, MONDO:0015356.

Allele frequency attached by ClinVar (database versions not stated): gnomAD 0.00001.
gnomAD v4.1: 2 of 1,604,118 alleles (0.00012%); highest among the groups gnomAD compares: African/African-American, 0.0027%; no homozygotes.

Submissions (2):

Ambry Genetics
Classification: Uncertain significance for Hereditary cancer-predisposing syndrome. Last evaluated: 2025-02-26. Review status: criteria provided, single submitter. Criteria: Ambry Variant Classification Scheme 2023. Collection method: clinical testing. Allele origin: germline.
Comment: The c.4109+4T>A intronic variant results from a T to A substitution 4 nucleotides after coding exon 26 in the ATM gene. This nucleotide position is not well conserved in available vertebrate species. In silico splice site analysis predicts that this alteration will not have any significant effect on splicing. Based on the available evidence, the clinical significance of this variant remains unclear.

Myriad Genetics, Inc.
Classification: Likely benign for Familial cancer of breast. Last evaluated: 2024-05-16. Review status: criteria provided, single submitter. Criteria: Myriad Autosomal Dominant, Autosomal Recessive and X-Linked Classification Criteria (2023). Collection method: clinical testing. Allele origin: unknown.
Comment: This variant is considered likely benign. This variant is intronic and is not expected to impact mRNA splicing.

NM_000051.4(ATM):c.4109+4T>A

Gene: ATM (ATM serine/threonine kinase; plus strand). Cytogenetic location: 11q22.3.
Variant type: single nucleotide variant.
Coding change: c.4109+4T>A on transcript NM_000051.4 (MANE Select); 4 bases into the intron after coding-DNA position 4109, T replaced by A.
Molecular consequence: intron variant.
Genome position (GRCh38, 1-based): chr11:108,287,719, T>A. VCF-style: chr11-108287719-T-A. GRCh37 (hg19) VCF-style: chr11-108158446-T-A.
Other names: c.4109+4T>A (NM_001351834.2, NM_000051.3).
Identifiers: ClinVar variation 3254186 (VCV003254186.2), dbSNP rs754706599.